The following is an entry in ClinVar:

ClinVar aggregate classification (germline): Benign/Likely benign. Review status: criteria provided, multiple submitters, no conflicts (2 of 4 stars). 3 submissions from 3 submitters: Benign (1); Likely benign (2). Last evaluated 2026-05-01.

Allele frequency attached by ClinVar (database versions not stated): 1000 Genomes Project 30x 0.01249; 1000 Genomes Project 0.01298; ESP Exome Variant Server 0.01317.
gnomAD v4.1: 7,968 of 1,599,150 alleles (0.5%); highest among the groups gnomAD compares: Middle Eastern, 4.2%; 120 homozygotes.

Submissions (3):

CeGaT Center for Human Genetics Tuebingen
Classification: Benign. Last evaluated: 2026-05-01. Review status: criteria provided, single submitter. Criteria: CeGaT Center For Human Genetics Tuebingen Variant Classification Criteria Version 2. Collection method: clinical testing. Allele origin: germline. Affected: yes. Observed: 3 variant alleles.
Comment: ABCC8: BS1, BS2

GeneDx
Classification: Likely benign. Last evaluated: 2019-05-20. Review status: criteria provided, single submitter. Criteria: GeneDx Variant Classification Process June 2021. Collection method: clinical testing. Allele origin: germline. Affected: yes.

Breakthrough Genomics
Classification: Likely benign. Review status: criteria provided, single submitter. Criteria: ACMG Guidelines, 2015. Collection method: not provided. Allele origin: germline. Inheritance: Autosomal recessive inheritance. Affected: yes.

NM_000352.6(ABCC8):c.823-49G>A

Gene: ABCC8 (ATP binding cassette subfamily C member 8; minus strand). Cytogenetic location: 11p15.1.
Variant type: single nucleotide variant.
Coding change: c.823-49G>A on transcript NM_000352.6 (MANE Select); 49 bases into the intron before coding-DNA position 823, G replaced by A.
Molecular consequence: intron variant.
Genome position (GRCh38, 1-based): chr11:17,460,725, C>T on the plus strand (G>A on the coding strand, the complement: ABCC8 is on the minus strand). VCF-style: chr11-17460725-C-T. GRCh37 (hg19) VCF-style: chr11-17482272-C-T.
Other names: c.820-49G>A (NM_001351297.2, NM_001351296.2); c.823-49G>A (NM_001351295.2, NM_001287174.3).
Identifiers: ClinVar variation 1219715 (VCV001219715.8), dbSNP rs146679656, ClinGen allele CA5903754.
Genomic context (GRCh38, chr11:17,460,725, plus strand): 5'-AATGTCCTTCCGCTGCCCAGAGAGACCATGGCCAGGTCAGAGTGCCTGAGGGCTAATTCA[C>T]GGCTGGGCCTAGCCTCCCAGGATGCCCCTAGCTCCTGTTGTCTGGGGAAACCCAGTGGTC-3'